The following is an entry in ClinVar:

ClinVar aggregate classification (germline): Uncertain significance. Review status: criteria provided, multiple submitters, no conflicts (2 of 4 stars). 3 submissions from 3 submitters: Uncertain significance (3). Last evaluated 2026-01-15.

Conditions:
Vanishing white matter disease. Also called: CACH syndrome; Childhood ataxia with diffuse central nervous system hypomyelination; Leukoencephalopathy with vanishing white matter; CACH/VWM syndrome; Cree leukoencehalopathy. Identifiers: Orphanet 135, Orphanet 99853, MedGen C1858991, MONDO:0800448.

Allele frequency attached by ClinVar (database versions not stated): ExAC 0.00004; TOPMed 0.00005; ESP Exome Variant Server 0.00008.
gnomAD v4.1: 109 of 1,614,014 alleles (0.0068%); highest among the groups gnomAD compares: Admixed American, 0.0083%; no homozygotes.

Submissions (3):

Labcorp Genetics (formerly Invitae), Labcorp
Classification: Uncertain significance. Last evaluated: 2026-01-15. Review status: criteria provided, single submitter. Criteria: Invitae Variant Classification Sherloc (09022015). Collection method: clinical testing. Allele origin: germline.
Comment: This sequence change replaces arginine, which is basic and polar, with tryptophan, which is neutral and slightly polar, at codon 172 of the EIF2B5 protein (p.Arg172Trp). This variant is present in population databases (rs373147037, gnomAD 0.01%). This variant has not been reported in the literature in individuals affected with EIF2B5-related conditions. ClinVar contains an entry for this variant (Variation ID: 1709120). Invitae Evidence Modeling of protein sequence and biophysical properties (such as structural, functional, and spatial information, amino acid conservation, physicochemical variation, residue mobility, and thermodynamic stability) indicates that this missense variant is expected to disrupt EIF2B5 protein function with a positive predictive value of 80%. In summary, the available evidence is currently insufficient to determine the role of this variant in disease. Therefore, it has been classified as a Variant of Uncertain Significance.

Blueprint Genetics
Classification: Uncertain significance. Last evaluated: 2024-02-15. Review status: criteria provided, single submitter. Criteria: ACMG Guidelines, 2015. Collection method: clinical testing. Allele origin: germline.

MGZ Medical Genetics Center
Classification: Uncertain significance for Leukoencephalopathy with vanishing white matter 1. Last evaluated: 2022-04-13. Review status: criteria provided, single submitter. Criteria: ACMG Guidelines, 2015. Collection method: clinical testing. Allele origin: germline. Affected: yes. Observed: 1 variant allele.
Comment: ACMG criteria applied: PM2_SUP, PP3

NM_003907.3(EIF2B5):c.514C>T (p.Arg172Trp)

Gene: EIF2B5 (eukaryotic translation initiation factor 2B subunit epsilon; plus strand). Cytogenetic location: 3q27.1.
Variant type: single nucleotide variant.
Coding change: c.514C>T on transcript NM_003907.3 (MANE Select); coding-DNA position 514, C replaced by T.
Protein change: p.Arg172Trp; replaces arginine 172 with tryptophan.
Molecular consequence: missense variant.
Genome position (GRCh38, 1-based): chr3:184,137,905, C>T. VCF-style: chr3-184137905-C-T. GRCh37 (hg19) VCF-style: chr3-183855693-C-T.
Other names: short protein forms R172W.
Identifiers: ClinVar variation 1709120 (VCV001709120.4), dbSNP rs373147037, ClinGen allele CA2726415.